The following is an entry in ClinVar:

NM_001134363.3(RBM20):c.406C>T (p.Gln136Ter)

Gene: RBM20 (RNA binding motif protein 20; plus strand). Cytogenetic location: 10q25.2.
Variant type: single nucleotide variant.
Coding change: c.406C>T on transcript NM_001134363.3 (MANE Select); coding-DNA position 406, C replaced by T.
Protein change: p.Gln136Ter; replaces glutamine 136 with a stop codon.
Molecular consequence: nonsense.
Genome position (GRCh38, 1-based): chr10:110,781,015, C>T. VCF-style: chr10-110781015-C-T. GRCh37 (hg19) VCF-style: chr10-112540773-C-T.
Other names: short protein forms Q136*.
Identifiers: ClinVar variation 4734941 (VCV004734941.1).
Genomic context (GRCh38, chr10:110,781,015, plus strand): 5'-GCCGCCACAGTCCTGAACCAAGTCCTCTCCAAAGTGGCCATGTCCCAGCCTCTCTTCAAT[C>T]AACTGAGGCATCCGTCTGTGATCACTGGCCCCCACGGCCATGCTGGGGTTCCCCAACATG-3'

ClinVar aggregate classification (germline): Pathogenic (1 of 4 stars; one submission).

Conditions:
Dilated cardiomyopathy 1DD (CMD1DD). Identifiers: Orphanet 154, MedGen C2750995, MONDO:0013168, OMIM 613172.

Submission:

Labcorp Genetics (formerly Invitae), Labcorp
Classification: Pathogenic for Dilated cardiomyopathy 1DD. Last evaluated: 2026-01-08. Review status: criteria provided, single submitter. Criteria: Invitae Variant Classification Sherloc (09022015). Collection method: clinical testing. Allele origin: germline.
Comment: This sequence change creates a premature translational stop signal (p.Gln136*) in the RBM20 gene. It is expected to result in an absent or disrupted protein product. Loss-of-function variants in RBM20 are known to be pathogenic (PMID: 20590677, 22004663, 38288598, 38510713, 40339755, 40778137). This variant is not present in population databases (gnomAD no frequency). This variant has not been reported in the literature in individuals affected with RBM20-related conditions. For these reasons, this variant has been classified as Pathogenic.

Literature cited by the submitters: PubMed 20590677; PubMed 22004663; PubMed 38288598; PubMed 38510713; PubMed 40339755; PubMed 40778137.